The following is an entry in ClinVar:

NM_015665.6(AAAS):c.1024C>T (p.Arg342Ter)

Gene: AAAS (aladin WD repeat nucleoporin; minus strand). Cytogenetic location: 12q13.13.
Variant type: single nucleotide variant.
Coding change: c.1024C>T on transcript NM_015665.6 (MANE Select); coding-DNA position 1024, C replaced by T.
Protein change: p.Arg342Ter; replaces arginine 342 with a stop codon.
Molecular consequence: nonsense.
Genome position (GRCh38, 1-based): chr12:53,308,788, G>A on the plus strand (C>T on the coding strand, the complement: AAAS is on the minus strand). VCF-style: chr12-53308788-G-A. GRCh37 (hg19) VCF-style: chr12-53702572-G-A.
Other names: c.925C>T, p.Arg309Ter (NM_001173466.2); short protein forms R309*, R342*.
Identifiers: ClinVar variation 2735885 (VCV002735885.4), dbSNP rs757303233, ClinGen allele CA6599010.

ClinVar aggregate classification (germline): Pathogenic. Review status: criteria provided, multiple submitters, no conflicts (2 of 4 stars). 2 submissions from 2 submitters: Pathogenic (2). Last evaluated 2025-01-01.

Conditions:
Glucocorticoid deficiency with achalasia (AAAS). Also called: ALACRIMA-ACHALASIA-ADRENAL INSUFFICIENCY NEUROLOGIC DISORDER; Achalasia-addisonianism-alacrimia syndrome; AAA syndrome; Allgrove syndrome; Addisonian achalasia syndrome; Achalasia-Addisonianism-Alacrima (Triple-A) Syndrome. Identifiers: Orphanet 869, MedGen C0271742, MONDO:0009279, OMIM 231550.

Allele frequency attached by ClinVar (database versions not stated): gnomAD exomes 0.00001; ExAC 0.00002.

Submissions (2):

Center of Human Genetics, Hôpital Erasme
Classification: Pathogenic for Glucocorticoid deficiency with achalasia. Last evaluated: 2025-01-01. Review status: criteria provided, single submitter. Criteria: ACMG Guidelines, 2015. Collection method: clinical testing. Allele origin: inherited. Affected: yes.

Labcorp Genetics (formerly Invitae), Labcorp
Classification: Pathogenic. Last evaluated: 2023-07-22. Review status: criteria provided, single submitter. Criteria: Invitae Variant Classification Sherloc (09022015). Collection method: clinical testing. Allele origin: germline.
Comment: This variant is present in population databases (rs757303233, gnomAD 0.002%). For these reasons, this variant has been classified as Pathogenic. This premature translational stop signal has been observed in individual(s) with achalasia-addisonianism-alacrimia syndrome (PMID: 11159947). This sequence change creates a premature translational stop signal (p.Arg342*) in the AAAS gene. It is expected to result in an absent or disrupted protein product. Loss-of-function variants in AAAS are known to be pathogenic (PMID: 11159947).

Literature cited by the submitters: PubMed 11159947 (cited by Labcorp Genetics (formerly Invitae), Labcorp).